The following is an entry in ClinVar:

NM_021815.5(SLC5A7):c.373C>T (p.Arg125Cys)

Gene: SLC5A7 (solute carrier family 5 member 7; plus strand). Cytogenetic location: 2q12.3.
Variant type: single nucleotide variant.
Coding change: c.373C>T on transcript NM_021815.5 (MANE Select); coding-DNA position 373, C replaced by T.
Protein change: p.Arg125Cys; replaces arginine 125 with cysteine.
Molecular consequence: missense variant. On other transcripts: 5 prime UTR variant (1).
Genome position (GRCh38, 1-based): chr2:107,993,052, C>T. VCF-style: chr2-107993052-C-T. GRCh37 (hg19) VCF-style: chr2-108609508-C-T.
Other names: c.373C>T, p.Arg125Cys (NM_001305005.3); c.58C>T, p.Arg20Cys (NM_001305006.3); c.-332C>T (NM_001305007.3); short protein forms R125C, R20C.
Identifiers: ClinVar variation 571313 (VCV000571313.9), dbSNP rs757211775, ClinGen allele CA1818938.

ClinVar aggregate classification (germline): Uncertain significance. Review status: criteria provided, multiple submitters, no conflicts (2 of 4 stars). 3 submissions from 3 submitters: Uncertain significance (3). Last evaluated 2025-09-01.

Conditions:
Congenital myasthenic syndrome 20. Also called: Myasthenic syndrome, congenital, 20, presynaptic. Identifiers: MedGen C4310694, MONDO:0014939, OMIM 617143.
Neuronopathy, distal hereditary motor, type 7A. Also called: Neuronopathy, distal hereditary motor, type viia; SPINAL MUSCULAR ATROPHY, DISTAL, WITH VOCAL CORD PARALYSIS; NEURONOPATHY, DISTAL HEREDITARY MOTOR, HARDING TYPE VIIA; NEUROPATHY, DISTAL HEREDITARY MOTOR, HARDING TYPE VIIA; Neuronopathy, distal hereditary motor, autosomal dominant 7; HARPER-YOUNG MYOPATHY. Identifiers: Orphanet 139589, MedGen C1834703, MONDO:0008024, OMIM 158580.
Inborn genetic diseases. Identifiers: MedGen C0950123, MeSH D030342.

Allele frequency attached by ClinVar (database versions not stated): TOPMed below 0.00001; gnomAD 0.00001; gnomAD exomes 0.00002 and 0.00003; ExAC 0.00004.
gnomAD v4.1: 27 of 1,614,054 alleles (0.0017%); highest among the groups gnomAD compares: Middle Eastern, 0.016%; 1 homozygote.

Submissions (3):

Ambry Genetics
Classification: Uncertain significance for Inborn genetic diseases. Last evaluated: 2025-09-01. Review status: criteria provided, single submitter. Criteria: Ambry Variant Classification Scheme 2023. Collection method: clinical testing. Allele origin: germline.

Labcorp Genetics (formerly Invitae), Labcorp
Classification: Uncertain significance for Neuronopathy, distal hereditary motor, type 7A; Congenital myasthenic syndrome 20. Last evaluated: 2022-10-28. Review status: criteria provided, single submitter. Criteria: Invitae Variant Classification Sherloc (09022015). Collection method: clinical testing. Allele origin: germline.
Comment: This sequence change replaces arginine, which is basic and polar, with cysteine, which is neutral and slightly polar, at codon 125 of the SLC5A7 protein (p.Arg125Cys). In summary, the available evidence is currently insufficient to determine the role of this variant in disease. Therefore, it has been classified as a Variant of Uncertain Significance. Advanced modeling of protein sequence and biophysical properties (such as structural, functional, and spatial information, amino acid conservation, physicochemical variation, residue mobility, and thermodynamic stability) performed at Invitae indicates that this missense variant is expected to disrupt SLC5A7 protein function. ClinVar contains an entry for this variant (Variation ID: 571313). This variant has not been reported in the literature in individuals affected with SLC5A7-related conditions. This variant is present in population databases (rs757211775, gnomAD 0.009%).

Juno Genomics, Hangzhou Juno Genomics, Inc
Classification: Uncertain significance for Neuronopathy, distal hereditary motor, type 7A; Congenital myasthenic syndrome 20. Review status: criteria provided, single submitter. Criteria: ACMG Guidelines, 2015. Collection method: clinical testing. Allele origin: germline.
Comment: Absent from controls (or at extremely low frequency if recessive) in Genome Aggregation Database.